The following is an entry in ClinVar:

NM_001134363.3(RBM20):c.2854A>G (p.Thr952Ala)

Gene: RBM20 (RNA binding motif protein 20; plus strand). Cytogenetic location: 10q25.2.
Variant type: single nucleotide variant.
Coding change: c.2854A>G on transcript NM_001134363.3 (MANE Select); coding-DNA position 2854, A replaced by G.
Protein change: p.Thr952Ala; replaces threonine 952 with alanine.
Molecular consequence: missense variant.
Genome position (GRCh38, 1-based): chr10:110,821,473, A>G. VCF-style: chr10-110821473-A-G. GRCh37 (hg19) VCF-style: chr10-112581231-A-G.
Other names: short protein forms T952A.
Identifiers: ClinVar variation 4842213 (VCV004842213.1).

ClinVar aggregate classification (germline): Uncertain significance (1 of 4 stars; one submission).

Conditions:
Cardiovascular phenotype. Identifiers: MedGen CN230736.

Submission:

Ambry Genetics
Classification: Uncertain significance for Cardiovascular phenotype. Last evaluated: 2025-12-19. Review status: criteria provided, single submitter. Criteria: Ambry Variant Classification Scheme 2023. Collection method: clinical testing. Allele origin: germline.
Comment: The p.T952A variant (also known as c.2854A>G), located in coding exon 11 of the RBM20 gene, results from an A to G substitution at nucleotide position 2854. The threonine at codon 952 is replaced by alanine, an amino acid with similar properties. This amino acid position is conserved. In addition, this alteration is predicted to be tolerated by in silico analysis. Based on the available evidence, the clinical significance of this variant remains unclear.